The following is an entry in ClinVar:

NM_001040108.2(MLH3):c.4289_4293del (p.Arg1430fs)

Gene: MLH3 (mutL homolog 3; minus strand). Cytogenetic location: 14q24.3.
Variant type: Deletion.
Coding change: c.4289_4293del on transcript NM_001040108.2 (MANE Select); coding-DNA positions 4289 to 4293, 5 bases deleted (GTCTC; older notation c.4289_4293delGTCTC).
Protein change: p.Arg1430fs; shifts the reading frame from arginine 1430.
Molecular consequence: frameshift variant.
Genome position (GRCh38, 1-based): chr14:75,017,151-75,017,155, GAGAC deleted on the plus strand (GTCTC on the coding strand, the reverse complement: MLH3 is on the minus strand); deleting any 5 consecutive bases within chr14:75,017,151-75,017,156 gives the same sequence; the c. name uses the placement nearest the transcript's 3' end. VCF-style (leftmost placement, unchanged base first): chr14-75017150-AGAGAC-A. GRCh37 (hg19) VCF-style: chr14-75483853-AGAGAC-A.
Other names: c.4217_4221del, p.Arg1406fs (NM_014381.3); c.4289_4293delGTCTC (NM_001040108.1); short protein forms R1430fs, R1406fs.
Identifiers: ClinVar variation 544283 (VCV000544283.2), dbSNP rs1450109980, ClinGen allele CA615048750.

ClinVar aggregate classification (germline): Uncertain significance. Review status: criteria provided, multiple submitters, no conflicts (2 of 4 stars). 2 submissions from 2 submitters: Uncertain significance (2). Last evaluated 2024-12-23.

Conditions:
Colorectal cancer, hereditary nonpolyposis, type 7. Identifiers: Orphanet 144, MedGen C1858380, MONDO:0013725, OMIM 614385.
Endometrial carcinoma. Also called: Endometrial carcinoma, somatic. Identifiers: MedGen C0476089, MONDO:0002447, OMIM 608089, HP:0012114.
Colorectal cancer. Also called: Colorectal cancer, somatic; Malignant Colorectal Neoplasm. Identifiers: MedGen C0346629, MONDO:0005575, OMIM 114500.

Submissions (2):

Department of Pathology and Laboratory Medicine, Sinai Health System
Classification: Uncertain significance for Colorectal cancer; Endometrial carcinoma; Colorectal cancer, hereditary nonpolyposis, type 7. Last evaluated: 2024-12-23. Review status: criteria provided, single submitter. Criteria: ACMG Guidelines, 2015. Collection method: clinical testing. Allele origin: germline.

Labcorp Genetics (formerly Invitae), Labcorp
Classification: Uncertain significance for Colorectal cancer, hereditary nonpolyposis, type 7. Last evaluated: 2017-12-20. Review status: criteria provided, single submitter. Criteria: Invitae Variant Classification Sherloc (09022015). Collection method: clinical testing. Allele origin: germline.
Comment: This sequence change results in a premature translational stop signal in the MLH3 gene (p.Arg1430Leufs*7). While this is not anticipated to result in nonsense mediated decay, it is expected to disrupt the last 24 amino acids of the MLH3 protein. This variant is not present in population databases (ExAC no frequency). This variant has not been reported in the literature in individuals with MLH3-related disease. The current clinical and genetic evidence is not sufficient to establish whether loss-of-function variants in MLH3 cause disease. In summary, the available evidence is currently insufficient to determine the role of this variant in disease. Therefore, it has been classified as a Variant of Uncertain Significance.